The following is an entry in ClinVar:

NM_001145308.5(LRTOMT):c.55C>A (p.Leu19Met)

Gene: LRTOMT (leucine rich transmembrane and O-methyltransferase domain containing; plus strand). Cytogenetic location: 11q13.4.
Variant type: single nucleotide variant.
Coding change: c.55C>A on transcript NM_001145308.5; coding-DNA position 55, C replaced by A.
Protein change: p.Leu19Met; replaces leucine 19 with methionine.
Molecular consequence: missense variant.
Genome position (GRCh38, 1-based): chr11:72,104,984, C>A. VCF-style: chr11-72104984-C-A. GRCh37 (hg19) VCF-style: chr11-71816030-C-A.
Other names: c.55C>A, p.Leu19Met (NM_001145309.4, NM_001145310.4); short protein forms L19M.
Identifiers: ClinVar variation 1353600 (VCV001353600.8), dbSNP rs1945610313, ClinGen allele CA381716362.

ClinVar aggregate classification (germline): Uncertain significance (1 of 4 stars; one submission).

Allele frequency attached by ClinVar (database versions not stated): gnomAD 0.00001.

Submission:

Labcorp Genetics (formerly Invitae), Labcorp
Classification: Uncertain significance. Last evaluated: 2021-05-14. Review status: criteria provided, single submitter. Criteria: Invitae Variant Classification Sherloc (09022015). Collection method: clinical testing. Allele origin: germline.
Comment: In summary, the available evidence is currently insufficient to determine the role of this variant in disease. Therefore, it has been classified as a Variant of Uncertain Significance. Algorithms developed to predict the effect of missense changes on protein structure and function (SIFT, PolyPhen-2, Align-GVGD) all suggest that this variant is likely to be tolerated, but these predictions have not been confirmed by published functional studies and their clinical significance is uncertain. This variant has not been reported in the literature in individuals with LRTOMT-related conditions. This variant is not present in population databases (ExAC no frequency). This sequence change replaces leucine with methionine at codon 19 of the LRTOMT protein (p.Leu19Met). The leucine residue is weakly conserved and there is a small physicochemical difference between leucine and methionine.